The following is an entry in ClinVar:

NM_001018111.3(PODXL):c.478G>T (p.Gly160Trp)

Gene: PODXL (podocalyxin like; minus strand). Cytogenetic location: 7q32.3.
Variant type: single nucleotide variant.
Coding change: c.478G>T on transcript NM_001018111.3 (MANE Select); coding-DNA position 478, G replaced by T.
Protein change: p.Gly160Trp; replaces glycine 160 with tryptophan.
Molecular consequence: missense variant.
Genome position (GRCh38, 1-based): chr7:131,511,056, C>A on the plus strand (G>T on the coding strand, the complement: PODXL is on the minus strand). VCF-style: chr7-131511056-C-A. GRCh37 (hg19) VCF-style: chr7-131195815-C-A.
Other names: c.478G>T, p.Gly160Trp (NM_005397.4); short protein forms G160W.
Identifiers: ClinVar variation 1716470 (VCV001716470.5), dbSNP rs2485279387, ClinGen allele CA369301357.

ClinVar aggregate classification (germline): Uncertain significance (1 of 4 stars; one submission).

Submission:

Labcorp Genetics (formerly Invitae), Labcorp
Classification: Uncertain significance. Last evaluated: 2022-08-15. Review status: criteria provided, single submitter. Criteria: Invitae Variant Classification Sherloc (09022015). Collection method: clinical testing. Allele origin: germline.
Comment: In summary, the available evidence is currently insufficient to determine the role of this variant in disease. Therefore, it has been classified as a Variant of Uncertain Significance. Algorithms developed to predict the effect of missense changes on protein structure and function are either unavailable or do not agree on the potential impact of this missense change (SIFT: "Tolerated"; PolyPhen-2: "Possibly Damaging"; Align-GVGD: "Class C0"). This variant has not been reported in the literature in individuals affected with PODXL-related conditions. This variant is not present in population databases (gnomAD no frequency). This sequence change replaces glycine, which is neutral and non-polar, with tryptophan, which is neutral and slightly polar, at codon 160 of the PODXL protein (p.Gly160Trp).